The following is an entry in ClinVar:

ClinVar aggregate classification (germline): Uncertain significance (1 of 4 stars; one submission).

Conditions:
Joubert syndrome. Also called: CEREBELLOPARENCHYMAL DISORDER IV; JOUBERT-BOLTSHAUSER SYNDROME; Familial aplasia of the vermis. Identifiers: Orphanet 475, MedGen C5979921, MONDO:0018772.
Meckel-Gruber syndrome. Also called: DYSENCEPHALIA SPLANCHNOCYSTICA; GRUBER SYNDROME; Dysencephalia splachnocystica. Identifiers: Orphanet 564, MedGen C0265215, MONDO:0018921.

Allele frequency attached by ClinVar (database versions not stated): gnomAD exomes below 0.00001.
gnomAD v4.1: 4 of 1,612,108 alleles (0.00025%); highest among the groups gnomAD compares: Non-Finnish European, 0.00034%; no homozygotes.

Submission:

Labcorp Genetics (formerly Invitae), Labcorp
Classification: Uncertain significance for Joubert syndrome; Meckel-Gruber syndrome. Last evaluated: 2022-08-23. Review status: criteria provided, single submitter. Criteria: Invitae Variant Classification Sherloc (09022015). Collection method: clinical testing. Allele origin: germline.
Comment: In summary, the available evidence is currently insufficient to determine the role of this variant in disease. Therefore, it has been classified as a Variant of Uncertain Significance. Advanced modeling of protein sequence and biophysical properties (such as structural, functional, and spatial information, amino acid conservation, physicochemical variation, residue mobility, and thermodynamic stability) performed at Invitae indicates that this missense variant is not expected to disrupt TMEM67 protein function. ClinVar contains an entry for this variant (Variation ID: 1351424). This variant has not been reported in the literature in individuals affected with TMEM67-related conditions. This variant is not present in population databases (gnomAD no frequency). This sequence change replaces phenylalanine, which is neutral and non-polar, with serine, which is neutral and polar, at codon 867 of the TMEM67 protein (p.Phe867Ser).

NM_153704.6(TMEM67):c.2600T>C (p.Phe867Ser)

Gene: TMEM67 (transmembrane protein 67; plus strand). Cytogenetic location: 8q22.1.
Variant type: single nucleotide variant.
Coding change: c.2600T>C on transcript NM_153704.6 (MANE Select); coding-DNA position 2600, T replaced by C.
Protein change: p.Phe867Ser; replaces phenylalanine 867 with serine.
Molecular consequence: missense variant. On other transcripts: non-coding transcript variant (1).
Genome position (GRCh38, 1-based): chr8:93,809,100, T>C. VCF-style: chr8-93809100-T-C. GRCh37 (hg19) VCF-style: chr8-94821328-T-C.
Other names: c.2357T>C, p.Phe786Ser (NM_001142301.1); short protein forms F786S, F867S.
Identifiers: ClinVar variation 1351424 (VCV001351424.6), dbSNP rs1563481582, ClinGen allele CA371699253.